The following is an entry in ClinVar:

NM_001144967.3(NEDD4L):c.1384A>G (p.Lys462Glu)

Gene: NEDD4L (NEDD4 like E3 ubiquitin protein ligase; plus strand). Cytogenetic location: 18q21.31.
Variant type: single nucleotide variant.
Coding change: c.1384A>G on transcript NM_001144967.3 (MANE Select); coding-DNA position 1384, A replaced by G.
Protein change: p.Lys462Glu; replaces lysine 462 with glutamic acid.
Molecular consequence: missense variant.
Genome position (GRCh38, 1-based): chr18:58,342,912, A>G. VCF-style: chr18-58342912-A-G. GRCh37 (hg19) VCF-style: chr18-56010144-A-G.
Other names: c.1021A>G, p.Lys341Glu (NM_001144964.1, NM_001144965.2, NM_001144966.3); c.1360A>G, p.Lys454Glu (NM_001144968.2); c.1300A>G, p.Lys434Glu (NM_001144969.2); c.961A>G, p.Lys321Glu (NM_001144970.3, NM_001144971.2); c.1192A>G, p.Lys398Glu (NM_001243960.2); c.1324A>G, p.Lys442Glu (NM_015277.6); short protein forms K398E, K454E, K341E, K442E, K462E, K321E, K434E.
Identifiers: ClinVar variation 3642608 (VCV003642608.2).

ClinVar aggregate classification (germline): Uncertain significance (1 of 4 stars; one submission).

gnomAD v4.1: 1 of 1,606,220 alleles (0.000062%); highest among the groups gnomAD compares: Non-Finnish European, 0.000085%; no homozygotes.

Submission:

Labcorp Genetics (formerly Invitae), Labcorp
Classification: Uncertain significance. Last evaluated: 2024-02-22. Review status: criteria provided, single submitter. Criteria: Invitae Variant Classification Sherloc (09022015). Collection method: clinical testing. Allele origin: germline.
Comment: This sequence change replaces lysine, which is basic and polar, with glutamic acid, which is acidic and polar, at codon 442 of the NEDD4L protein (p.Lys442Glu). This variant is not present in population databases (gnomAD no frequency). This variant has not been reported in the literature in individuals affected with NEDD4L-related conditions. Advanced modeling of protein sequence and biophysical properties (such as structural, functional, and spatial information, amino acid conservation, physicochemical variation, residue mobility, and thermodynamic stability) performed at Invitae indicates that this missense variant is not expected to disrupt NEDD4L protein function with a negative predictive value of 80%. In summary, the available evidence is currently insufficient to determine the role of this variant in disease. Therefore, it has been classified as a Variant of Uncertain Significance.